The following is an entry in ClinVar:

ClinVar aggregate classification (germline): Uncertain significance. Review status: criteria provided, multiple submitters, no conflicts (2 of 4 stars). 2 submissions from 2 submitters: Uncertain significance (2). Last evaluated 2024-01-19.

Conditions:
Dyskeratosis congenita, autosomal recessive 1. Identifiers: Orphanet 1775, MedGen C1857144, MONDO:0009136, OMIM 224230.
Pulmonary fibrosis and/or bone marrow failure syndrome, telomere-related, 9 (PFBMFT9). Identifiers: MedGen C5830560, MONDO:0957294, OMIM 620400.
Cataracts, hearing impairment, nephrotic syndrome, and enterocolitis 2 (CHINE2). Identifiers: MedGen C5830590, MONDO:0958193, OMIM 620425.

Allele frequency attached by ClinVar (database versions not stated): gnomAD 0.00001; gnomAD exomes 0.00002; TOPMed 0.00002; ExAC 0.00003; ESP Exome Variant Server 0.00008.
gnomAD v4.1: 31 of 1,613,956 alleles (0.0019%); highest among the groups gnomAD compares: Non-Finnish European, 0.0025%; no homozygotes.

Submissions (2):

Fulgent Genetics
Classification: Uncertain significance for Dyskeratosis congenita, autosomal recessive 1; Pulmonary fibrosis and/or bone marrow failure syndrome, telomere-related, 9; Cataracts, hearing impairment, nephrotic syndrome, and enterocolitis 2. Last evaluated: 2024-01-19. Review status: criteria provided, single submitter. Criteria: ACMG Guidelines, 2015. Collection method: clinical testing. Allele origin: germline.

Labcorp Genetics (formerly Invitae), Labcorp
Classification: Uncertain significance for Dyskeratosis congenita, autosomal recessive 1. Last evaluated: 2022-03-31. Review status: criteria provided, single submitter. Criteria: Invitae Variant Classification Sherloc (09022015). Collection method: clinical testing. Allele origin: germline.
Comment: This sequence change replaces glutamine, which is neutral and polar, with histidine, which is basic and polar, at codon 25 of the NOP10 protein (p.Gln25His). This variant is present in population databases (rs368082745, gnomAD 0.004%). This variant has not been reported in the literature in individuals affected with NOP10-related conditions. Algorithms developed to predict the effect of missense changes on protein structure and function are either unavailable or do not agree on the potential impact of this missense change (SIFT: "Deleterious"; PolyPhen-2: "Possibly Damaging"; Align-GVGD: "Class C0"). In summary, the available evidence is currently insufficient to determine the role of this variant in disease. Therefore, it has been classified as a Variant of Uncertain Significance.

NM_018648.4(NOP10):c.75A>T (p.Gln25His)

Gene: NOP10 (NOP10 ribonucleoprotein; minus strand). Cytogenetic location: 15q14.
Variant type: single nucleotide variant.
Coding change: c.75A>T on transcript NM_018648.4 (MANE Select); coding-DNA position 75, A replaced by T.
Protein change: p.Gln25His; replaces glutamine 25 with histidine.
Molecular consequence: missense variant.
Genome position (GRCh38, 1-based): chr15:34,342,088, T>A on the plus strand (A>T on the coding strand, the complement: NOP10 is on the minus strand). VCF-style: chr15-34342088-T-A. GRCh37 (hg19) VCF-style: chr15-34634289-T-A.
Other names: short protein forms Q25H.
Identifiers: ClinVar variation 1428113 (VCV001428113.5), dbSNP rs368082745, ClinGen allele CA7464779.